The following is an entry in ClinVar:

ClinVar aggregate classification (germline): Likely pathogenic. Review status: criteria provided, multiple submitters, no conflicts (2 of 4 stars). 2 submissions from 2 submitters: Likely pathogenic (2). Last evaluated 2023-03-23.

Conditions:
Usher syndrome type 1D (USH1D). Also called: USHER SYNDROME, TYPE ID. Identifiers: Orphanet 231169, Orphanet 886, MedGen C1832845, MONDO:0010984, OMIM 601067.
Autosomal recessive nonsyndromic hearing loss 23. Identifiers: Orphanet 90636, MedGen C1836027, MONDO:0012293, OMIM 609533.
Usher syndrome type 1F (USH1F). Also called: USHER SYNDROME, TYPE IF. Identifiers: Orphanet 231169, Orphanet 886, MedGen C1865885, MONDO:0011186, OMIM 602083.

Submissions (2):

Labcorp Genetics (formerly Invitae), Labcorp
Classification: Likely pathogenic. Last evaluated: 2023-03-23. Review status: criteria provided, single submitter. Criteria: Invitae Variant Classification Sherloc (09022015). Collection method: clinical testing. Allele origin: germline.
Comment: This sequence change affects an acceptor splice site in intron 15 of the PCDH15 gene. It is expected to disrupt RNA splicing. Variants that disrupt the donor or acceptor splice site typically lead to a loss of protein function (PMID: 16199547), and loss-of-function variants in PCDH15 are known to be pathogenic (PMID: 11398101, 11487575, 14570705). This variant is not present in population databases (gnomAD no frequency). This variant has not been reported in the literature in individuals affected with PCDH15-related conditions. Algorithms developed to predict the effect of sequence changes on RNA splicing suggest that this variant may disrupt the consensus splice site. In summary, the currently available evidence indicates that the variant is pathogenic, but additional data are needed to prove that conclusively. Therefore, this variant has been classified as Likely Pathogenic.

Juno Genomics, Hangzhou Juno Genomics, Inc
Classification: Likely pathogenic for Autosomal recessive nonsyndromic hearing loss 23; Usher syndrome type 1D; Usher syndrome type 1F. Review status: criteria provided, single submitter. Criteria: ACMG Guidelines, 2015. Collection method: clinical testing. Allele origin: germline. Affected: yes.
Comment: Null variant in a gene where loss of function (LOF) is a known mechanism of disease.;Absent from controls (or at extremely low frequency if recessive) in Genome Aggregation Database, Exome Sequencing Project, 1000 Genomes Project, or Exome Aggregation Consortium.

Literature cited by the submitters: PubMed 16199547 (cited by Labcorp Genetics (formerly Invitae), Labcorp); PubMed 11398101 (cited by Labcorp Genetics (formerly Invitae), Labcorp); PubMed 11487575 (cited by Labcorp Genetics (formerly Invitae), Labcorp); PubMed 14570705 (cited by Labcorp Genetics (formerly Invitae), Labcorp).

NM_001384140.1(PCDH15):c.1918-1G>A

Gene: PCDH15 (protocadherin related 15; minus strand). Cytogenetic location: 10q21.1.
Variant type: single nucleotide variant.
Coding change: c.1918-1G>A on transcript NM_001384140.1 (MANE Select); the canonical splice acceptor site of the intron before coding-DNA position 1918, G replaced by A.
Molecular consequence: splice acceptor variant. On other transcripts: intron variant (1).
Genome position (GRCh38, 1-based): chr10:54,090,064, C>T on the plus strand (G>A on the coding strand, the complement: PCDH15 is on the minus strand). VCF-style: chr10-54090064-C-T. GRCh37 (hg19) VCF-style: chr10-55849824-C-T.
Other names: c.1918-1G>A (NM_001354420.2, NM_001354429.2, NM_001142772.2 and 5 more transcripts); c.1933-1G>A (NM_001142771.2, NM_001142763.2); c.1939-1G>A (NM_001354411.2); c.1954-1G>A (NM_001142769.3); c.1852-1G>A (NM_001354404.2, NM_001142773.2, NM_001142768.2); c.1807-1G>A (NM_001142767.2); c.1785-10640G>A (NM_001142765.2).
Identifiers: ClinVar variation 2848876 (VCV002848876.5), dbSNP rs2540012395, ClinGen allele CA376523206.